The following is an entry in ClinVar:

ClinVar aggregate classification (germline): Uncertain significance (1 of 4 stars; one submission).

Conditions:
ALG3-congenital disorder of glycosylation. Also called: CONGENITAL DISORDER OF GLYCOSYLATION, TYPE Id; CDG Id; ALG3-CDG; CARBOHYDRATE-DEFICIENT GLYCOPROTEIN SYNDROME, TYPE IV; CDGS, TYPE IV. Identifiers: Orphanet 79321, MedGen C1832736, MONDO:0010998, OMIM 601110.

Submission:

Labcorp Genetics (formerly Invitae), Labcorp
Classification: Uncertain significance for ALG3-congenital disorder of glycosylation. Last evaluated: 2023-03-07. Review status: criteria provided, single submitter. Criteria: Invitae Variant Classification Sherloc (09022015). Collection method: clinical testing. Allele origin: germline.
Comment: This sequence change replaces leucine, which is neutral and non-polar, with phenylalanine, which is neutral and non-polar, at codon 20 of the ALG3 protein (p.Leu20Phe). This variant is not present in population databases (gnomAD no frequency). This variant has not been reported in the literature in individuals affected with ALG3-related conditions. Algorithms developed to predict the effect of missense changes on protein structure and function output the following: SIFT: "Not Available"; PolyPhen-2: "Benign"; Align-GVGD: "Not Available". The phenylalanine amino acid residue is found in multiple mammalian species, which suggests that this missense change does not adversely affect protein function. In summary, the available evidence is currently insufficient to determine the role of this variant in disease. Therefore, it has been classified as a Variant of Uncertain Significance.

NM_005787.6(ALG3):c.58C>T (p.Leu20Phe)

Gene: ALG3 (ALG3 alpha-1,3- mannosyltransferase; minus strand). Cytogenetic location: 3q27.1.
Variant type: single nucleotide variant.
Coding change: c.58C>T on transcript NM_005787.6 (MANE Select); coding-DNA position 58, C replaced by T.
Protein change: p.Leu20Phe; replaces leucine 20 with phenylalanine.
Molecular consequence: missense variant. On other transcripts: non-coding transcript variant (2), intron variant (1).
Genome position (GRCh38, 1-based): chr3:184,248,883, G>A on the plus strand (C>T on the coding strand, the complement: ALG3 is on the minus strand). VCF-style: chr3-184248883-G-A. GRCh37 (hg19) VCF-style: chr3-183966671-G-A.
Other names: c.-11C>T (NM_001006942.1); c.52+343C>T (NM_001006941.2); short protein forms L20F.
Identifiers: ClinVar variation 2838857 (VCV002838857.3), dbSNP rs776145295, ClinGen allele CA355425874.
Genomic context (GRCh38, chr3:184,248,883, plus strand): 5'-GCGGCTCCCGCAGCAGCAGGCGCCGCTCTTGCCAGGCGCGCTGCAGCCATTGCTTGCAGA[G>A]TCCCTCTGCCTGGGCCGCGGAACCGGACCGGCCGCGTTTCCGCAGCCCAGCCGCCATCTT-3'
Protein context (NP_005778.1, residues 10-30): RSGSAAQAEG[Leu20Phe]CKQWLQRAWQ